The following is an entry in ClinVar:

NM_005188.4(CBL):c.1681C>T (p.Gln561Ter)

Gene: CBL (Cbl proto-oncogene; plus strand). Cytogenetic location: 11q23.3.
Variant type: single nucleotide variant.
Coding change: c.1681C>T on transcript NM_005188.4 (MANE Select); coding-DNA position 1681, C replaced by T.
Protein change: p.Gln561Ter; replaces glutamine 561 with a stop codon.
Molecular consequence: nonsense.
Genome position (GRCh38, 1-based): chr11:119,285,306, C>T. VCF-style: chr11-119285306-C-T. GRCh37 (hg19) VCF-style: chr11-119156016-C-T.
Other names: short protein forms Q561*.
Identifiers: ClinVar variation 1029944 (VCV001029944.1), dbSNP rs1246882963, ClinGen allele CA382919611.

ClinVar aggregate classification (germline): Uncertain significance (1 of 4 stars; one submission).

Conditions:
CBL-related disorder. Also called: NOONAN SYNDROME-LIKE DISORDER WITHOUT JUVENILE MYELOMONOCYTIC LEUKEMIA; CBL MUTATION-ASSOCIATED SYNDROME; CBL SYNDROME. Identifiers: Orphanet 363972, MedGen C3150803, MONDO:0013308, OMIM 613563.

Submission:

Baylor Genetics
Classification: Uncertain significance for CBL-related disorder. Last evaluated: 2020-12-14. Review status: criteria provided, single submitter. Criteria: ACMG Guidelines, 2015. Collection method: clinical testing. Allele origin: de novo. Affected: yes.
Comment: This variant was determined to be of uncertain significance according to ACMG Guidelines, 2015 [PMID:25741868].